The following is an entry in ClinVar:

NM_000059.4(BRCA2):c.9491A>C (p.Asn3164Thr)

Gene: BRCA2 (BRCA2 DNA repair associated; plus strand). Cytogenetic location: 13q13.1.
Variant type: single nucleotide variant.
Coding change: c.9491A>C on transcript NM_000059.4 (MANE Select); coding-DNA position 9491, A replaced by C.
Protein change: p.Asn3164Thr; replaces asparagine 3164 with threonine.
Molecular consequence: missense variant. On other transcripts: non-coding transcript variant (1).
Genome position (GRCh38, 1-based): chr13:32,394,923, A>C. VCF-style: chr13-32394923-A-C. GRCh37 (hg19) VCF-style: chr13-32969060-A-C.
Other names: c.9395A>C, p.Asn3132Thr (NM_001406719.1); c.9440A>C, p.Asn3147Thr (NM_001406720.1); c.4559A>C, p.Asn1520Thr (NM_001406721.1); c.3074A>C, p.Asn1025Thr (NM_001406722.1); short protein forms N1520T, N3132T, N1025T, N3147T, N3164T.
Identifiers: ClinVar variation 2831525 (VCV002831525.3), dbSNP rs1135401930, ClinGen allele CA387761863.
Genomic context (GRCh38, chr13:32,394,923, plus strand): 5'-CTGTGTTTTCTGCTAGTCCAAAAGAGGGCCACTTTCAAGAGACATTCAACAAAATGAAAA[A>C]TACTGTTGAGGTAAGGTTACTTTTCAGCATCACCACACATTTTGGTATTTTTCTATTTTG-3'
Protein context (NP_000050.3, residues 3154-3174): HFQETFNKMK[Asn3164Thr]TVENIDILCN

ClinVar aggregate classification (germline): Uncertain significance (1 of 4 stars; one submission).

Conditions:
Hereditary breast ovarian cancer syndrome. Also called: Hereditary breast and ovarian cancer; BRCA1- and BRCA2-Associated Hereditary Breast and Ovarian Cancer; Hereditary breast and ovarian cancer syndrome; Hereditary breast and ovarian cancer syndrome (HBOC); Breast and ovarian cancer; Hereditary breast and/or ovarian cancer syndrome. Identifiers: Orphanet 145, MedGen C0677776, MeSH D061325, MONDO:0003582. Disease mechanism: loss of function.

Submission:

Labcorp Genetics (formerly Invitae), Labcorp
Classification: Uncertain significance for Hereditary breast ovarian cancer syndrome. Last evaluated: 2023-01-24. Review status: criteria provided, single submitter. Criteria: Invitae Variant Classification Sherloc (09022015). Collection method: clinical testing. Allele origin: germline.
Comment: This sequence change replaces asparagine, which is neutral and polar, with threonine, which is neutral and polar, at codon 3164 of the BRCA2 protein (p.Asn3164Thr). In summary, the available evidence is currently insufficient to determine the role of this variant in disease. Therefore, it has been classified as a Variant of Uncertain Significance. Advanced modeling of protein sequence and biophysical properties (such as structural, functional, and spatial information, amino acid conservation, physicochemical variation, residue mobility, and thermodynamic stability) performed at Invitae indicates that this missense variant is not expected to disrupt BRCA2 protein function. This variant has not been reported in the literature in individuals affected with BRCA2-related conditions. This variant is not present in population databases (gnomAD no frequency).